The following is an entry in ClinVar:

ClinVar aggregate classification (germline): Uncertain significance (1 of 4 stars; one submission).

Allele frequency attached by ClinVar (database versions not stated): ExAC 0.00003; gnomAD 0.00004; TOPMed 0.00004; ESP Exome Variant Server 0.00008; 1000 Genomes Project 30x 0.00016; 1000 Genomes Project 0.00020.
gnomAD v4.1: 49 of 1,612,384 alleles (0.003%); highest among the groups gnomAD compares: Middle Eastern, 0.05%; 1 homozygote.

Submission:

Labcorp Genetics (formerly Invitae), Labcorp
Classification: Uncertain significance. Last evaluated: 2022-02-13. Review status: criteria provided, single submitter. Criteria: Invitae Variant Classification Sherloc (09022015). Collection method: clinical testing. Allele origin: germline.
Comment: This sequence change replaces proline, which is neutral and non-polar, with leucine, which is neutral and non-polar, at codon 2817 of the DNAH9 protein (p.Pro2817Leu). This variant is present in population databases (rs370070428, gnomAD 0.02%). This variant has not been reported in the literature in individuals affected with DNAH9-related conditions. Algorithms developed to predict the effect of missense changes on protein structure and function are either unavailable or do not agree on the potential impact of this missense change (SIFT: "Deleterious"; PolyPhen-2: "Probably Damaging"; Align-GVGD: "Class C0"). In summary, the available evidence is currently insufficient to determine the role of this variant in disease. Therefore, it has been classified as a Variant of Uncertain Significance.

NM_001372.4(DNAH9):c.8450C>T (p.Pro2817Leu)

Gene: DNAH9 (dynein axonemal heavy chain 9; plus strand). Cytogenetic location: 17p12.
Variant type: single nucleotide variant.
Coding change: c.8450C>T on transcript NM_001372.4 (MANE Select); coding-DNA position 8450, C replaced by T.
Protein change: p.Pro2817Leu; replaces proline 2817 with leucine.
Molecular consequence: missense variant.
Genome position (GRCh38, 1-based): chr17:11,807,761, C>T. VCF-style: chr17-11807761-C-T. GRCh37 (hg19) VCF-style: chr17-11711078-C-T.
Other names: short protein forms P2817L.
Identifiers: ClinVar variation 1926562 (VCV001926562.2), dbSNP rs370070428, ClinGen allele CA8396935.
Genomic context (GRCh38, chr17:11,807,761, plus strand): 5'-AAGCAACATGTGCCTGCTTCCTTCTCTTTAGCTGCCATATCAATCGCATCTTGGAGTCCC[C>T]GCGGGGAAATGCTCTGCTGGTTGGTGTAGGTGGGAGCGGCAAGCAGAGCCTGACAAGGCT-3'
Protein context (NP_001363.2, residues 2807-2827): VCHINRILES[Pro2817Leu]RGNALLVGVG